The following is an entry in ClinVar:

NM_199242.3(UNC13D):c.2732T>C (p.Leu911Pro)

Genes: UNC13D (unc-13 homolog D; minus strand), LOC112533672 (Sharpr-MPRA regulatory region 1193; plus strand). Cytogenetic location: 17q25.1.
Variant type: single nucleotide variant.
Coding change: c.2732T>C on transcript NM_199242.3 (MANE Select); coding-DNA position 2732, T replaced by C.
Protein change: p.Leu911Pro; replaces leucine 911 with proline.
Molecular consequence: missense variant.
Genome position (GRCh38, 1-based): chr17:75,830,460, A>G on the plus strand (T>C on the coding strand, the complement: UNC13D is on the minus strand). VCF-style: chr17-75830460-A-G. GRCh37 (hg19) VCF-style: chr17-73826541-A-G.
Other names: short protein forms L911P.
Identifiers: ClinVar variation 1347152 (VCV001347152.6), dbSNP rs576759232, ClinGen allele CA401080255.
Genomic context (GRCh38, chr17:75,830,460, plus strand): 5'-AGCTCCACACGCAGCTTCTGCTCAGAGGCGCGGTAGGAGGCCTTGACTGTCACAGCCCCC[A>G]GCTCCTCAGAGGTGGTTTCTGCCTGGGGTGGGGAGCAGGGGCAGGGTCAGCAGGGTCACA-3'
Protein context (NP_954712.1, residues 901-921): QQQAETTSEE[Leu911Pro]GAVTVKASYR

ClinVar aggregate classification (germline): Uncertain significance (1 of 4 stars; one submission).

Conditions:
Familial hemophagocytic lymphohistiocytosis 3 (FHL3). Also called: UNC13D-Related Familial Hemophagocytic Lymphohistiocytosis (UNC13D-fHLH). Identifiers: Orphanet 540, MedGen C1837174, MONDO:0012146, OMIM 608898.

Allele frequency attached by ClinVar (database versions not stated): gnomAD exomes below 0.00001.
gnomAD v4.1: 1 of 1,589,566 alleles (0.000063%); highest among the groups gnomAD compares: Non-Finnish European, 0.000086%; no homozygotes.

Submission:

Labcorp Genetics (formerly Invitae), Labcorp
Classification: Uncertain significance for Familial hemophagocytic lymphohistiocytosis 3. Last evaluated: 2021-07-17. Review status: criteria provided, single submitter. Criteria: Invitae Variant Classification Sherloc (09022015). Collection method: clinical testing. Allele origin: germline.
Comment: This variant is not present in population databases (ExAC no frequency). In summary, the available evidence is currently insufficient to determine the role of this variant in disease. Therefore, it has been classified as a Variant of Uncertain Significance. Algorithms developed to predict the effect of missense changes on protein structure and function are either unavailable or do not agree on the potential impact of this missense change (SIFT: "Not Available"; PolyPhen-2: "Possibly Damaging"; Align-GVGD: "Not Available"). This variant has not been reported in the literature in individuals with UNC13D-related conditions. This sequence change replaces leucine with proline at codon 911 of the UNC13D protein (p.Leu911Pro). The leucine residue is weakly conserved and there is a moderate physicochemical difference between leucine and proline.